The following is an entry in ClinVar:

ClinVar aggregate classification (germline): Benign. Review status: criteria provided, multiple submitters, no conflicts (2 of 4 stars). 6 submissions from 6 submitters: Benign (6). Last evaluated 2026-01-29.

Conditions:
Glycogen storage disease, type VI (GSD6). Also called: Hepatic glycogen phosphorylase deficiency; Glycogen storage disease type 6; Glycogen storage disease type 6, due to phosphorylation; GSD VI; HERS DISEASE; PHOSPHORYLASE DEFICIENCY GLYCOGEN-STORAGE DISEASE OF LIVER. Identifiers: Orphanet 369, MedGen C0017925, MONDO:0009294, OMIM 232700.

Allele frequency attached by ClinVar (database versions not stated): ESP Exome Variant Server 0.00085; gnomAD exomes 0.00425 and 0.01218; gnomAD 0.00531 and 0.00616; 1000 Genomes Project 0.01677; 1000 Genomes Project 30x 0.01718; TOPMed 0.00825; ExAC 0.01039.
gnomAD v4.1: 7,163 of 1,614,156 alleles (0.44%); highest among the groups gnomAD compares: East Asian, 5.4%; 182 homozygotes.

Submissions (6):

Labcorp Genetics (formerly Invitae), Labcorp
Classification: Benign for Glycogen storage disease, type VI. Last evaluated: 2026-01-29. Review status: criteria provided, single submitter. Criteria: Invitae Variant Classification Sherloc (09022015). Collection method: clinical testing. Allele origin: germline.

Fulgent Genetics
Classification: Benign for Glycogen storage disease, type VI. Last evaluated: 2021-08-23. Review status: criteria provided, single submitter. Criteria: ACMG Guidelines, 2015. Collection method: clinical testing. Allele origin: unknown.

Mayo Clinic Laboratories, Mayo Clinic
Classification: Benign. Last evaluated: 2018-06-14. Review status: criteria provided, single submitter. Criteria: ACMG Guidelines, 2015. Collection method: clinical testing. Allele origin: germline. Observed: 16 variant alleles.

Illumina Laboratory Services, Illumina
Classification: Benign for Glycogen storage disease, type VI. Last evaluated: 2018-01-13. Review status: criteria provided, single submitter. Criteria: ICSL Variant Classification Criteria 13 December 2019. Collection method: clinical testing. Allele origin: germline.
Comment: This variant was observed in the ICSL laboratory as part of a predisposition screen in an ostensibly healthy population. It had not been previously curated by ICSL or reported in the Human Gene Mutation Database (HGMD: prior to June 1st, 2018), and was therefore a candidate for classification through an automated scoring system. Utilizing variant allele frequency, disease prevalence and penetrance estimates, and inheritance mode, an automated score was calculated to assess if this variant is too frequent to cause the disease. Based on the score and internal cut-off values, a variant classified as benign is not then subjected to further curation. The score for this variant resulted in a classification of benign for this disease.

Eurofins Ntd Llc (ga)
Classification: Benign. Last evaluated: 2015-01-26. Review status: criteria provided, single submitter. Criteria: EGL Classification Definitions 2015. Collection method: clinical testing. Allele origin: germline. Observed: 1 variant allele, 1 heterozygote.

Breakthrough Genomics
Classification: Benign. Review status: criteria provided, single submitter. Criteria: ACMG Guidelines, 2015. Collection method: not provided. Allele origin: germline. Inheritance: Autosomal recessive inheritance. Affected: yes.

NM_002863.5(PYGL):c.2112T>C (p.Ala704=)

Gene: PYGL (glycogen phosphorylase L; minus strand). Cytogenetic location: 14q22.1.
Variant type: single nucleotide variant.
Coding change: c.2112T>C on transcript NM_002863.5 (MANE Select); coding-DNA position 2112, T replaced by C.
Protein change: p.Ala704=; no amino-acid change (alanine 704 retained).
Molecular consequence: synonymous variant.
Genome position (GRCh38, 1-based): chr14:50,909,960, A>G on the plus strand (T>C on the coding strand, the complement: PYGL is on the minus strand). VCF-style: chr14-50909960-A-G. GRCh37 (hg19) VCF-style: chr14-51376678-A-G.
Other names: p.Ala704=; c.2010T>C, p.Ala670= (NM_001163940.2).
Identifiers: ClinVar variation 194735 (VCV000194735.22), dbSNP rs35110875, ClinGen allele CA201328.